The following is an entry in ClinVar:

ClinVar aggregate classification (germline): Uncertain significance (1 of 4 stars; one submission).

Allele frequency attached by ClinVar (database versions not stated): gnomAD exomes below 0.00001; TOPMed below 0.00001; ExAC 0.00001.
gnomAD v4.1: 3 of 1,614,084 alleles (0.00019%); highest among the groups gnomAD compares: Non-Finnish European, 0.00025%; no homozygotes.

Submission:

CeGaT Center for Human Genetics Tuebingen
Classification: Uncertain significance. Last evaluated: 2024-05-01. Review status: criteria provided, single submitter. Criteria: CeGaT Center For Human Genetics Tuebingen Variant Classification Criteria Version 2. Collection method: clinical testing. Allele origin: germline. Affected: yes. Observed: 1 variant allele.
Comment: GLB1: PM2, PP4:Moderate, PM3:Supporting

NM_000404.4(GLB1):c.1175T>G (p.Leu392Arg)

Gene: GLB1 (galactosidase beta 1; minus strand). Cytogenetic location: 3p22.3.
Variant type: single nucleotide variant.
Coding change: c.1175T>G on transcript NM_000404.4 (MANE Select); coding-DNA position 1175, T replaced by G.
Protein change: p.Leu392Arg; replaces leucine 392 with arginine.
Molecular consequence: missense variant.
Genome position (GRCh38, 1-based): chr3:33,021,624, A>C on the plus strand (T>G on the coding strand, the complement: GLB1 is on the minus strand). VCF-style: chr3-33021624-A-C. GRCh37 (hg19) VCF-style: chr3-33063116-A-C.
Other names: c.1085T>G, p.Leu362Arg (NM_001079811.3); c.782T>G, p.Leu261Arg (NM_001135602.3); c.1319T>G, p.Leu440Arg (NM_001317040.2); c.1175T>G, p.Leu392Arg (NM_001393580.1); short protein forms L261R, L362R, L392R, L440R.
Identifiers: ClinVar variation 3239286 (VCV003239286.19), dbSNP rs762902581.